The following is an entry in ClinVar:

NM_000465.4(BARD1):c.886dup (p.Glu296fs)

Gene: BARD1 (BRCA1 associated RING domain 1; minus strand). Cytogenetic location: 2q35.
Variant type: Duplication.
Coding change: c.886dup on transcript NM_000465.4 (MANE Select); coding-DNA position 886, one base duplicated (G; older notation c.886dupG).
Protein change: p.Glu296fs; shifts the reading frame from glutamic acid 296.
Molecular consequence: frameshift variant. On other transcripts: non-coding transcript variant (2), intron variant (3).
Genome position (GRCh38, 1-based): chr2:214,780,988, C duplicated on the plus strand (G on the coding strand, the reverse complement: BARD1 is on the minus strand). VCF-style (leftmost placement, unchanged base first): chr2-214780987-T-TC. GRCh37 (hg19) VCF-style: chr2-215645711-T-TC.
Other names: c.829dup, p.Glu277fs (NM_001282543.2); c.158+28424dup (NM_001282548.2); c.215+16073dup (NM_001282545.2); c.364+11309dup (NM_001282549.2); short protein forms E277fs, E296fs.
Identifiers: ClinVar variation 1801576 (VCV001801576.2), dbSNP rs1694984038, ClinGen allele CA1327071205.

ClinVar aggregate classification (germline): Pathogenic. Review status: criteria provided, single submitter (1 of 4 stars). 2 submissions from 2 submitters: Pathogenic (1). 1 of the submissions does not count toward it. Last evaluated 2024-10-23.

Conditions:
Gastric cancer. Also called: Malignant tumor of stomach; Stomach cancer. Identifiers: MedGen C0024623, MeSH D013274, MONDO:0001056, OMIM 613659, HP:0012126.
Familial cancer of breast. Also called: Hereditary breast cancer; hereditary breast carcinoma; BREAST CANCER, FAMILIAL. Identifiers: Orphanet 227535, MedGen C0346153, MONDO:0016419, OMIM 114480. Disease mechanism: loss of function.

Allele frequency attached by ClinVar (database versions not stated): gnomAD 0.00001.

Submissions (2):

Myriad Genetics, Inc.
Classification: Pathogenic for Familial cancer of breast. Last evaluated: 2024-10-23. Review status: criteria provided, single submitter. Criteria: Myriad Autosomal Dominant, Autosomal Recessive and X-Linked Classification Criteria (2023). Collection method: clinical testing. Allele origin: unknown.
Comment: This variant is considered pathogenic. This variant creates a frameshift predicted to result in premature protein truncation.

Laboratory for Genotyping Development, RIKEN
Classification: Pathogenic for Gastric cancer. Last evaluated: 2021-07-01. Review status: no assertion criteria provided. Collection method: research. Allele origin: germline. Not counted in ClinVar's aggregate classification.

Literature cited by the submitters: PubMed 36988593 (cited by Laboratory for Genotyping Development, RIKEN).